The following is an entry in ClinVar:

ClinVar aggregate classification (germline): Uncertain significance. Review status: criteria provided, single submitter (1 of 4 stars). 2 submissions from 1 submitter: Uncertain significance (2).

Conditions:
Maturity-onset diabetes of the young (MODY). Also called: Maturity onset diabetes mellitus in young. Identifiers: Orphanet 552, MedGen C0342276, MONDO:0018911, HP:0004904.
Transitory neonatal diabetes mellitus. Also called: Transient neonatal diabetes mellitus. Identifiers: MedGen C0342273, MONDO:0020525, HP:0008255.

Allele frequency attached by ClinVar (database versions not stated): gnomAD exomes below 0.00001; TOPMed below 0.00001; gnomAD 0.00001.

Submissions (2):

Clinical Genomics, Uppaluri K&H Personalized Medicine Clinic
Classification: Uncertain significance for Maturity-onset diabetes of the young. Review status: criteria provided, single submitter. Criteria: K & H Uppaluri Personalized Medicine Clinic Variant Classification & Assertion Criteria_Updated V.1. Collection method: research. Allele origin: unknown. Inheritance: Somatic mutation.
Comment: Mutations in ABCC8 gene are associated with both neonatal diabetes mellitus as well as MODY. Patients with this mutation may have a better response to sulfonylureas. However, no sufficient evidence is found to ascertain the role of this particular variant (rs1057516946) in MODY yet.

Clinical Genomics, Uppaluri K&H Personalized Medicine Clinic
Classification: Uncertain significance for Transitory neonatal diabetes mellitus. Review status: criteria provided, single submitter. Criteria: K & H Uppaluri Personalized Medicine Clinic Variant Classification & Assertion Criteria_Updated V.1. Collection method: research. Allele origin: unknown. Inheritance: Somatic mutation.
Comment: Mutations in ABCC8 gene are associated with both neonatal diabetes mellitus as well as MODY. Patients with this mutation may have a better response to sulfonylureas. However, no sufficient evidence is found to ascertain the role of this particular variant (rs1057516946) in neonatal diabetes yet.

Literature cited by the submitters: PubMed 16885549; PubMed 21989597; PubMed 27538677; PubMed 18981553; PubMed 32027066; PubMed 16613899; PubMed 18025408; PubMed 32792356.

NM_000352.6(ABCC8):c.1468-2A>T

Gene: ABCC8 (ATP binding cassette subfamily C member 8; minus strand). Cytogenetic location: 11p15.1.
Variant type: single nucleotide variant.
Coding change: c.1468-2A>T on transcript NM_000352.6 (MANE Select); the canonical splice acceptor site of the intron before coding-DNA position 1468, A replaced by T.
Molecular consequence: splice acceptor variant.
Genome position (GRCh38, 1-based): chr11:17,442,884, T>A on the plus strand (A>T on the coding strand, the complement: ABCC8 is on the minus strand). VCF-style: chr11-17442884-T-A. GRCh37 (hg19) VCF-style: chr11-17464431-T-A.
Other names: c.1465-2A>T (NM_001351297.2, NM_001351296.2); c.1468-2A>T (NM_001351295.2, NM_001287174.3).
Identifiers: ClinVar variation 1691092 (VCV001691092.2), dbSNP rs1057516946, ClinGen allele CA379766781.